The following is an entry in ClinVar:

ClinVar aggregate classification (germline): Uncertain significance (1 of 4 stars; one submission).

Allele frequency attached by ClinVar (database versions not stated): gnomAD 0.00001 and 0.00003; gnomAD exomes 0.00002 and 0.00004; TOPMed 0.00002; ExAC 0.00005; ESP Exome Variant Server 0.00008; 1000 Genomes Project 30x 0.00016.
gnomAD v4.1: 35 of 1,614,158 alleles (0.0022%); highest among the groups gnomAD compares: South Asian, 0.02%; no homozygotes.

Submission:

Labcorp Genetics (formerly Invitae), Labcorp
Classification: Uncertain significance. Last evaluated: 2025-10-29. Review status: criteria provided, single submitter. Criteria: Invitae Variant Classification Sherloc (09022015). Collection method: clinical testing. Allele origin: germline.
Comment: This sequence change replaces arginine, which is basic and polar, with cysteine, which is neutral and slightly polar, at codon 783 of the MYLK3 protein (p.Arg783Cys). This variant is present in population databases (rs374756967, gnomAD 0.01%). This variant has not been reported in the literature in individuals affected with MYLK3-related conditions. ClinVar contains an entry for this variant (Variation ID: 1521719). An algorithm developed to predict the effect of missense changes on protein structure and function outputs the following: PolyPhen-2: "Benign". The cysteine amino acid residue is found in multiple mammalian species, which suggests that this missense change does not adversely affect protein function. In summary, the available evidence is currently insufficient to determine the role of this variant in disease. Therefore, it has been classified as a Variant of Uncertain Significance.

NM_182493.3(MYLK3):c.2347C>T (p.Arg783Cys)

Gene: MYLK3 (myosin light chain kinase 3; minus strand). Cytogenetic location: 16q11.2.
Variant type: single nucleotide variant.
Coding change: c.2347C>T on transcript NM_182493.3 (MANE Select); coding-DNA position 2347, C replaced by T.
Protein change: p.Arg783Cys; replaces arginine 783 with cysteine.
Molecular consequence: missense variant.
Genome position (GRCh38, 1-based): chr16:46,709,592, G>A on the plus strand (C>T on the coding strand, the complement: MYLK3 is on the minus strand). VCF-style: chr16-46709592-G-A. GRCh37 (hg19) VCF-style: chr16-46743504-G-A.
Other names: c.1324C>T, p.Arg442Cys (NM_001308301.1); short protein forms R442C, R783C.
Identifiers: ClinVar variation 1521719 (VCV001521719.6), dbSNP rs374756967, ClinGen allele CA8037618.